The following is an entry in ClinVar:

ClinVar aggregate classification (germline): Pathogenic (1 of 4 stars; one submission).

Conditions:
Hereditary cancer-predisposing syndrome. Also called: Neoplastic Syndromes, Hereditary; Tumor predisposition; Hereditary Cancer Syndrome; Hereditary neoplastic syndrome. Identifiers: Orphanet 140162, MedGen C0027672, MeSH D009386, MONDO:0015356.

Submission:

Color Diagnostics, LLC DBA Color Health
Classification: Pathogenic for Hereditary cancer-predisposing syndrome. Last evaluated: 2024-09-30. Review status: criteria provided, single submitter. Criteria: ACMG Guidelines, 2015. Collection method: clinical testing. Allele origin: germline.
Comment: This variant deletes 5 nucleotides in exon 7/20 of the BRIP1 gene, creating a frameshift and premature translation stop signal. This variant is expected to result in an absent or non-functional protein product. To our knowledge, this variant has not been reported in individuals affected with BRIP1-related disorders in the literature. This variant has not been identified in the general population by the Genome Aggregation Database (gnomAD). Loss of BRIP1 function is a known mechanism of disease. Based on the available evidence, this variant is classified as Pathogenic.

NM_032043.3(BRIP1):c.777_781del (p.Ile259fs)

Gene: BRIP1 (BRCA1 interacting DNA helicase 1; minus strand). Cytogenetic location: 17q23.2.
Variant type: Deletion.
Coding change: c.777_781del on transcript NM_032043.3 (MANE Select); coding-DNA positions 777 to 781, 5 bases deleted (TACTA; older notation c.777_781delTACTA).
Protein change: p.Ile259fs; shifts the reading frame from isoleucine 259.
Molecular consequence: frameshift variant.
Genome position (GRCh38, 1-based): chr17:61,808,604-61,808,608, TAGTA deleted on the plus strand (TACTA on the coding strand, the reverse complement: BRIP1 is on the minus strand). VCF-style (leftmost placement, unchanged base first): chr17-61808603-CTAGTA-C. GRCh37 (hg19) VCF-style: chr17-59885964-CTAGTA-C.
Other names: short protein forms I259fs.
Identifiers: ClinVar variation 3894122 (VCV003894122.1).